The following is an entry in ClinVar:

NM_172107.4(KCNQ2):c.1161G>A (p.Pro387=)

Gene: KCNQ2 (potassium voltage-gated channel subfamily Q member 2; minus strand). Cytogenetic location: 20q13.33.
Variant type: single nucleotide variant.
Coding change: c.1161G>A on transcript NM_172107.4 (MANE Select); coding-DNA position 1161, G replaced by A.
Protein change: p.Pro387=; no amino-acid change (proline 387 retained).
Molecular consequence: synonymous variant.
Genome position (GRCh38, 1-based): chr20:63,428,423, C>T on the plus strand (G>A on the coding strand, the complement: KCNQ2 is on the minus strand). VCF-style: chr20-63428423-C-T. GRCh37 (hg19) VCF-style: chr20-62059776-C-T.
Other names: p.P387P:CCG>CCA; c.1161G>A, p.Pro387= (NM_001382235.1, NM_001439003.1, NM_172106.3 and 1 more transcripts); c.1131G>A, p.Pro377= (NM_001439004.1, NM_004518.6).
Identifiers: ClinVar variation 205836 (VCV000205836.37), dbSNP rs147453497, ClinGen allele CA315297.

ClinVar aggregate classification (germline): Benign/Likely benign. Review status: criteria provided, multiple submitters, no conflicts (2 of 4 stars). 4 submissions from 4 submitters: Benign (1); Likely benign (3). Last evaluated 2025-12-14.

Conditions:
Early-infantile DEE. Also called: Early infantile epileptic encephalopathy; Ohtahara syndrome; Early infantile epileptic encephalopathy with suppression bursts. Identifiers: Orphanet 1934, MedGen C0393706, MONDO:0800491.

Allele frequency attached by ClinVar (database versions not stated): gnomAD exomes 0.00002 and 0.00003; ExAC 0.00014; ESP Exome Variant Server 0.00015; gnomAD 0.00003; TOPMed 0.00005.

Submissions (4):

Labcorp Genetics (formerly Invitae), Labcorp
Classification: Likely benign for Early-infantile DEE. Last evaluated: 2025-12-14. Review status: criteria provided, single submitter. Criteria: Invitae Variant Classification Sherloc (09022015). Collection method: clinical testing. Allele origin: germline.

Blueprint Genetics
Classification: Likely benign. Last evaluated: 2024-07-30. Review status: criteria provided, single submitter. Criteria: ACMG Guidelines, 2015. Collection method: clinical testing. Allele origin: germline.

CeGaT Center for Human Genetics Tuebingen
Classification: Likely benign. Last evaluated: 2024-03-01. Review status: criteria provided, single submitter. Criteria: CeGaT Center For Human Genetics Tuebingen Variant Classification Criteria Version 2. Collection method: clinical testing. Allele origin: germline. Affected: yes. Observed: 3 variant alleles.
Comment: KCNQ2: BP4, BP7

GeneDx
Classification: Benign. Last evaluated: 2014-12-16. Review status: criteria provided, single submitter. Criteria: GeneDx Variant Classification (06012015). Collection method: clinical testing. Allele origin: germline. Affected: yes.
Comment: This variant is considered likely benign or benign based on one or more of the following criteria: it is a conservative change, it occurs at a poorly conserved position in the protein, it is predicted to be benign by multiple in silico algorithms, and/or has population frequency not consistent with disease.